The following is an entry in ClinVar:

ClinVar aggregate classification (germline): Benign/Likely benign. Review status: criteria provided, multiple submitters, no conflicts (2 of 4 stars). 3 submissions from 3 submitters: Benign (1); Likely benign (2). Last evaluated 2025-04-05.

Conditions:
Hereditary cancer-predisposing syndrome. Also called: Neoplastic Syndromes, Hereditary; Hereditary neoplastic syndrome; Tumor predisposition; Hereditary Cancer Syndrome. Identifiers: Orphanet 140162, MedGen C0027672, MeSH D009386, MONDO:0015356.
Multiple endocrine neoplasia, type 1 (MEN1). Also called: MEN I; WERMER SYNDROME; Endocrine adenomatosis multiple; MEN 1; MEA I. Identifiers: Orphanet 652, MedGen C0025267, MeSH D018761, MONDO:0007540, OMIM 131100.

Allele frequency attached by ClinVar (database versions not stated): gnomAD 0.00001.
gnomAD v4.1: 1 of 1,609,190 alleles (0.000062%); highest among the groups gnomAD compares: Non-Finnish European, 0.000085%; no homozygotes.

Submissions (3):

Ambry Genetics
Classification: Likely benign for Hereditary cancer-predisposing syndrome. Last evaluated: 2025-04-05. Review status: criteria provided, single submitter. Criteria: Ambry Variant Classification Scheme 2023. Collection method: clinical testing. Allele origin: germline.

Myriad Genetics, Inc.
Classification: Benign for Multiple endocrine neoplasia, type 1. Last evaluated: 2024-10-31. Review status: criteria provided, single submitter. Criteria: Myriad Autosomal Dominant, Autosomal Recessive and X-Linked Classification Criteria (2023). Collection method: clinical testing. Allele origin: unknown.
Comment: This variant is considered benign. This variant is a silent/synonymous amino acid change and it is not expected to impact splicing.

Labcorp Genetics (formerly Invitae), Labcorp
Classification: Likely benign for Multiple endocrine neoplasia, type 1. Last evaluated: 2022-08-22. Review status: criteria provided, single submitter. Criteria: Invitae Variant Classification Sherloc (09022015). Collection method: clinical testing. Allele origin: germline.

NM_001370259.2(MEN1):c.249G>T (p.Leu83=)

Gene: MEN1 (menin 1; minus strand). Cytogenetic location: 11q13.1.
Variant type: single nucleotide variant.
Coding change: c.249G>T on transcript NM_001370259.2 (MANE Select); coding-DNA position 249, G replaced by T.
Protein change: p.Leu83=; no amino-acid change (leucine 83 retained).
Molecular consequence: synonymous variant.
Genome position (GRCh38, 1-based): chr11:64,809,861, C>A on the plus strand (G>T on the coding strand, the complement: MEN1 is on the minus strand). VCF-style: chr11-64809861-C-A. GRCh37 (hg19) VCF-style: chr11-64577333-C-A.
Other names: c.249G>T, p.Leu83= (NM_000244.4, NM_001370251.2, NM_001370260.2 and 9 more transcripts); c.249G>T (NM_130799.2).
Identifiers: ClinVar variation 1079647 (VCV001079647.11), dbSNP rs386134252, ClinGen allele CA475163749.